The following is an entry in ClinVar:

NM_015311.3(OBSL1):c.3062G>A (p.Arg1021His)

Gene: OBSL1 (obscurin like cytoskeletal adaptor 1; minus strand). Cytogenetic location: 2q35.
Variant type: single nucleotide variant.
Coding change: c.3062G>A on transcript NM_015311.3 (MANE Select); coding-DNA position 3062, G replaced by A.
Protein change: p.Arg1021His; replaces arginine 1021 with histidine.
Molecular consequence: missense variant.
Genome position (GRCh38, 1-based): chr2:219,559,389, C>T on the plus strand (G>A on the coding strand, the complement: OBSL1 is on the minus strand). VCF-style: chr2-219559389-C-T. GRCh37 (hg19) VCF-style: chr2-220424111-C-T.
Other names: c.3062G>A, p.Arg1021His (NM_001173431.2); c.3062G>A (NM_015311.2); short protein forms R1021H.
Identifiers: ClinVar variation 1491724 (VCV001491724.4), dbSNP rs542422351, ClinGen allele CA2130976.

ClinVar aggregate classification (germline): Uncertain significance. Review status: criteria provided, multiple submitters, no conflicts (2 of 4 stars). 2 submissions from 2 submitters: Uncertain significance (2). Last evaluated 2024-08-20.

Conditions:
Inborn genetic diseases. Identifiers: MedGen C0950123, MeSH D030342.

Allele frequency attached by ClinVar (database versions not stated): gnomAD exomes 0.00001 and 0.00004; ExAC 0.00005; gnomAD 0.00013 and 0.00015; 1000 Genomes Project 30x 0.00016; 1000 Genomes Project 0.00020; TOPMed 0.00022.
gnomAD v4.1: 44 of 1,613,960 alleles (0.0027%); highest among the groups gnomAD compares: African/African-American, 0.035%; no homozygotes.

Submissions (2):

Ambry Genetics
Classification: Uncertain significance for Inborn genetic diseases. Last evaluated: 2024-08-20. Review status: criteria provided, single submitter. Criteria: Ambry Variant Classification Scheme 2023. Collection method: clinical testing. Allele origin: germline.

Labcorp Genetics (formerly Invitae), Labcorp
Classification: Uncertain significance. Last evaluated: 2022-08-09. Review status: criteria provided, single submitter. Criteria: Invitae Variant Classification Sherloc (09022015). Collection method: clinical testing. Allele origin: germline.
Comment: This sequence change replaces arginine, which is basic and polar, with histidine, which is basic and polar, at codon 1021 of the OBSL1 protein (p.Arg1021His). This variant is present in population databases (rs542422351, gnomAD 0.03%). This variant has not been reported in the literature in individuals affected with OBSL1-related conditions. ClinVar contains an entry for this variant (Variation ID: 1491724). Algorithms developed to predict the effect of missense changes on protein structure and function output the following: SIFT: "Tolerated"; PolyPhen-2: "Benign"; Align-GVGD: "Class C0". The histidine amino acid residue is found in multiple mammalian species, which suggests that this missense change does not adversely affect protein function. In summary, the available evidence is currently insufficient to determine the role of this variant in disease. Therefore, it has been classified as a Variant of Uncertain Significance.